The following is an entry in ClinVar:

NM_053025.4(MYLK):c.5347G>C (p.Ala1783Pro)

Genes: MYLK-AS1 (MYLK antisense RNA 1; plus strand), MYLK (myosin light chain kinase; minus strand). Cytogenetic location: 3q21.1.
Variant type: single nucleotide variant.
Coding change: c.5347G>C on transcript NM_053025.4 (MANE Select); coding-DNA position 5347, G replaced by C.
Protein change: p.Ala1783Pro; replaces alanine 1783 with proline.
Molecular consequence: missense variant.
Genome position (GRCh38, 1-based): chr3:123,620,228, C>G on the plus strand (G>C on the coding strand, the complement: MYLK is on the minus strand). VCF-style: chr3-123620228-C-G. GRCh37 (hg19) VCF-style: chr3-123339075-C-G.
Other names: c.4819G>C, p.Ala1607Pro (NM_001321309.2); c.5140G>C, p.Ala1714Pro (NM_053026.4); c.5194G>C, p.Ala1732Pro (NM_053027.4); c.4987G>C, p.Ala1663Pro (NM_053028.4); c.67G>C, p.Ala23Pro (NM_053031.4, NM_053032.4); short protein forms A1783P, A1714P, A1663P, A1607P, A1732P, A23P.
Identifiers: ClinVar variation 2889219 (VCV002889219.3), dbSNP rs749707023, ClinGen allele CA072804.
Genomic context (GRCh38, chr3:123,620,228, plus strand): 5'-TTTCTTTCTCACCAGCTGGCTGGAGAAACTCCTCCTTACCTTCAGATTCTAGTTTTTCTG[C>G]ATTGAGCGGGCTGGTTGGTGACCCTGTTGAGGATTTCCTGCCACTGAGCCCTGAGATCAT-3'
Protein context (NP_444253.3, residues 1773-1793): STGSPTSPLN[Ala1783Pro]EKLESEEDVS

ClinVar aggregate classification (germline): Uncertain significance (1 of 4 stars; one submission).

Conditions:
Aortic aneurysm, familial thoracic 7 (AAT7). Also called: AORTIC DISSECTION, FAMILIAL, WITH OR WITHOUT AORTIC ANEURYSM. Identifiers: MedGen C3151077, MONDO:0013418, OMIM 613780.

Allele frequency attached by ClinVar (database versions not stated): gnomAD exomes below 0.00001; TOPMed below 0.00001; ExAC 0.00001.
gnomAD v4.1: 2 of 1,614,094 alleles (0.00012%); highest among the groups gnomAD compares: Non-Finnish European, 0.00017%; no homozygotes.

Submission:

Labcorp Genetics (formerly Invitae), Labcorp
Classification: Uncertain significance for Aortic aneurysm, familial thoracic 7. Last evaluated: 2024-10-15. Review status: criteria provided, single submitter. Criteria: Invitae Variant Classification Sherloc (09022015). Collection method: clinical testing. Allele origin: germline.
Comment: This sequence change replaces alanine, which is neutral and non-polar, with proline, which is neutral and non-polar, at codon 1783 of the MYLK protein (p.Ala1783Pro). This variant is present in population databases (rs749707023, gnomAD 0.0009%). This variant has not been reported in the literature in individuals affected with MYLK-related conditions. Invitae Evidence Modeling of protein sequence and biophysical properties (such as structural, functional, and spatial information, amino acid conservation, physicochemical variation, residue mobility, and thermodynamic stability) indicates that this missense variant is not expected to disrupt MYLK protein function with a negative predictive value of 80%. In summary, the available evidence is currently insufficient to determine the role of this variant in disease. Therefore, it has been classified as a Variant of Uncertain Significance.